The following is an entry in ClinVar:

ClinVar aggregate classification (germline): Uncertain significance (1 of 4 stars; one submission).

Conditions:
Hereditary breast ovarian cancer syndrome. Also called: Hereditary breast and ovarian cancer; BRCA1- and BRCA2-Associated Hereditary Breast and Ovarian Cancer; Hereditary breast and ovarian cancer syndrome; Hereditary breast and ovarian cancer syndrome (HBOC); Breast and ovarian cancer; Hereditary breast and/or ovarian cancer syndrome. Identifiers: Orphanet 145, MedGen C0677776, MeSH D061325, MONDO:0003582. Disease mechanism: loss of function.

Submission:

Labcorp Genetics (formerly Invitae), Labcorp
Classification: Uncertain significance for Hereditary breast ovarian cancer syndrome. Last evaluated: 2025-11-05. Review status: criteria provided, single submitter. Criteria: Invitae Variant Classification Sherloc (09022015). Collection method: clinical testing. Allele origin: germline.
Comment: This sequence change replaces threonine, which is neutral and polar, with proline, which is neutral and non-polar, at codon 1225 of the BRCA2 protein (p.Thr1225Pro). This variant is not present in population databases (gnomAD no frequency). This variant has not been reported in the literature in individuals affected with BRCA2-related conditions. ClinVar contains an entry for this variant (Variation ID: 2831480). Invitae Evidence Modeling of protein sequence and biophysical properties (such as structural, functional, and spatial information, amino acid conservation, physicochemical variation, residue mobility, and thermodynamic stability) indicates that this missense variant is not expected to disrupt BRCA2 protein function with a negative predictive value of 95%. In summary, the available evidence is currently insufficient to determine the role of this variant in disease. Therefore, it has been classified as a Variant of Uncertain Significance.

NM_000059.4(BRCA2):c.3673A>C (p.Thr1225Pro)

Gene: BRCA2 (BRCA2 DNA repair associated; plus strand). Cytogenetic location: 13q13.1.
Variant type: single nucleotide variant.
Coding change: c.3673A>C on transcript NM_000059.4 (MANE Select); coding-DNA position 3673, A replaced by C.
Protein change: p.Thr1225Pro; replaces threonine 1225 with proline.
Molecular consequence: missense variant. On other transcripts: non-coding transcript variant (1), intron variant (2).
Genome position (GRCh38, 1-based): chr13:32,338,028, A>C. VCF-style: chr13-32338028-A-C. GRCh37 (hg19) VCF-style: chr13-32912165-A-C.
Other names: c.3673A>C, p.Thr1225Pro (NM_001406719.1, NM_001406720.1); c.1909+4641A>C (NM_001406721.1); c.425-6530A>C (NM_001406722.1); short protein forms T1225P.
Identifiers: ClinVar variation 2831480 (VCV002831480.3), dbSNP rs2137498865, ClinGen allele CA387777996.